The following is an entry in ClinVar:

NM_001330360.2(POLA1):c.2221T>G (p.Ser741Ala)

Gene: POLA1 (DNA polymerase alpha 1, catalytic subunit; plus strand). Cytogenetic location: Xp22.11.
Variant type: single nucleotide variant.
Coding change: c.2221T>G on transcript NM_001330360.2 (MANE Select); coding-DNA position 2221, T replaced by G.
Protein change: p.Ser741Ala; replaces serine 741 with alanine.
Molecular consequence: missense variant. On other transcripts: non-coding transcript variant (2).
Genome position (GRCh38, 1-based): chrX:24,741,379, T>G. VCF-style: chrX-24741379-T-G. GRCh37 (hg19) VCF-style: chrX-24759496-T-G.
Other names: c.2146T>G, p.Ser716Ala (NM_001378303.1); c.2203T>G, p.Ser735Ala (NM_016937.4); short protein forms S741A, S716A, S735A.
Identifiers: ClinVar variation 3666087 (VCV003666087.2).

ClinVar aggregate classification (germline): Uncertain significance (1 of 4 stars; one submission).

Submission:

Labcorp Genetics (formerly Invitae), Labcorp
Classification: Uncertain significance. Last evaluated: 2025-01-20. Review status: criteria provided, single submitter. Criteria: Invitae Variant Classification Sherloc (09022015). Collection method: clinical testing. Allele origin: germline.
Comment: This sequence change replaces serine, which is neutral and polar, with alanine, which is neutral and non-polar, at codon 735 of the POLA1 protein (p.Ser735Ala). This variant is not present in population databases (gnomAD no frequency). This variant has not been reported in the literature in individuals affected with POLA1-related conditions. Invitae Evidence Modeling of protein sequence and biophysical properties (such as structural, functional, and spatial information, amino acid conservation, physicochemical variation, residue mobility, and thermodynamic stability) indicates that this missense variant is not expected to disrupt POLA1 protein function with a negative predictive value of 80%. In summary, the available evidence is currently insufficient to determine the role of this variant in disease. Therefore, it has been classified as a Variant of Uncertain Significance.